The following is an entry in ClinVar:

NM_002439.5(MSH3):c.1766A>T (p.Glu589Val)

Gene: MSH3 (mutS homolog 3; plus strand). Cytogenetic location: 5q14.1.
Variant type: single nucleotide variant.
Coding change: c.1766A>T on transcript NM_002439.5 (MANE Select); coding-DNA position 1766, A replaced by T.
Protein change: p.Glu589Val; replaces glutamic acid 589 with valine.
Molecular consequence: missense variant.
Genome position (GRCh38, 1-based): chr5:80,761,548, A>T. VCF-style: chr5-80761548-A-T. GRCh37 (hg19) VCF-style: chr5-80057367-A-T.
Other names: short protein forms E589V.
Identifiers: ClinVar variation 3296288 (VCV003296288.1).
Genomic context (GRCh38, chr5:80,761,548, plus strand): 5'-ATGTCTATATTCTGAATTCCTAACATATCTGATTATTGCTATTACTCTTTTCTCACAGGG[A>T]AATAAATGCCCGGCTTGATGCTGTATCGGAAGTTCTCCATTCAGAATCTAGTGTGTTTGG-3'
Protein context (NP_002430.3, residues 579-599): WVTQPLLKLR[Glu589Val]INARLDAVSE

ClinVar aggregate classification (germline): Uncertain significance (1 of 4 stars; one submission).

Conditions:
Hereditary cancer-predisposing syndrome. Also called: Tumor predisposition; Hereditary Cancer Syndrome; Hereditary neoplastic syndrome; Neoplastic Syndromes, Hereditary. Identifiers: Orphanet 140162, MedGen C0027672, MeSH D009386, MONDO:0015356.

Submission:

Ambry Genetics
Classification: Uncertain significance for Hereditary cancer-predisposing syndrome. Last evaluated: 2024-05-09. Review status: criteria provided, single submitter. Criteria: Ambry Variant Classification Scheme 2023. Collection method: clinical testing. Allele origin: germline.
Comment: The p.E589V variant (also known as c.1766A>T), located in coding exon 13 of the MSH3 gene, results from an A to T substitution at nucleotide position 1766. The glutamic acid at codon 589 is replaced by valine, an amino acid with dissimilar properties. This amino acid position is conserved. In addition, the in silico prediction for this alteration is inconclusive. Based on the available evidence, the clinical significance of this variant remains unclear.